The following is an entry in ClinVar:

NM_145059.3(FCSK):c.103C>T (p.Arg35Trp)

Gene: FCSK (fucose kinase; plus strand). Cytogenetic location: 16q22.1.
Variant type: single nucleotide variant.
Coding change: c.103C>T on transcript NM_145059.3 (MANE Select); coding-DNA position 103, C replaced by T.
Protein change: p.Arg35Trp; replaces arginine 35 with tryptophan.
Molecular consequence: missense variant.
Genome position (GRCh38, 1-based): chr16:70,463,643, C>T. VCF-style: chr16-70463643-C-T. GRCh37 (hg19) VCF-style: chr16-70497546-C-T.
Other names: c.103C>T (NM_145059.2); short protein forms R35W.
Identifiers: ClinVar variation 1682341 (VCV001682341.8), dbSNP rs781385329, ClinGen allele CA8142734.

ClinVar aggregate classification (germline): Uncertain significance. Review status: criteria provided, multiple submitters, no conflicts (2 of 4 stars). 2 submissions from 2 submitters: Uncertain significance (2). Last evaluated 2024-04-09.

Allele frequency attached by ClinVar (database versions not stated): gnomAD 0.00001; TOPMed 0.00002; ExAC 0.00003; gnomAD exomes 0.00004.
gnomAD v4.1: 72 of 1,613,390 alleles (0.0045%); highest among the groups gnomAD compares: East Asian, 0.0089%; no homozygotes.

Submissions (2):

Ambry Genetics
Classification: Uncertain significance. Last evaluated: 2024-04-09. Review status: criteria provided, single submitter. Criteria: Ambry Variant Classification Scheme 2023. Collection method: clinical testing. Allele origin: germline.

Labcorp Genetics (formerly Invitae), Labcorp
Classification: Uncertain significance. Last evaluated: 2022-06-18. Review status: criteria provided, single submitter. Criteria: Invitae Variant Classification Sherloc (09022015). Collection method: clinical testing. Allele origin: germline.
Comment: In summary, the available evidence is currently insufficient to determine the role of this variant in disease. Therefore, it has been classified as a Variant of Uncertain Significance. Algorithms developed to predict the effect of missense changes on protein structure and function are either unavailable or do not agree on the potential impact of this missense change (SIFT: "Deleterious"; PolyPhen-2: "Probably Damaging"; Align-GVGD: "Class C0"). This variant has not been reported in the literature in individuals affected with FUK-related conditions. This variant is present in population databases (rs781385329, gnomAD 0.02%). This sequence change replaces arginine, which is basic and polar, with tryptophan, which is neutral and slightly polar, at codon 35 of the FUK protein (p.Arg35Trp).